The following is an entry in ClinVar:

NM_007184.4(NISCH):c.2583C>A (p.Val861=)

Gene: NISCH (nischarin; plus strand). Cytogenetic location: 3p21.1.
Variant type: single nucleotide variant.
Coding change: c.2583C>A on transcript NM_007184.4 (MANE Select); coding-DNA position 2583, C replaced by A.
Protein change: p.Val861=; no amino-acid change (valine 861 retained).
Molecular consequence: synonymous variant.
Genome position (GRCh38, 1-based): chr3:52,488,075, C>A. VCF-style: chr3-52488075-C-A. GRCh37 (hg19) VCF-style: chr3-52522091-C-A.
Other names: NC_000003.11:g.52522091C>A.
Identifiers: ClinVar variation 2653885 (VCV002653885.25), dbSNP rs77768459, ClinGen allele CA2439433.
Genomic context (GRCh38, chr3:52,488,075, plus strand): 5'-CTACAAGGTGGCTGGCGGCTGCCAGGAGCGCAGCCAGGGCTGCTTCCCCGTCTACCTGGT[C>A]TACAGTGACAAGCGCATGGTGCAGACGGCCGCCGGGGACTACTCAGGCAACATCGAGTGG-3'
Protein context (NP_009115.3, residues 851-871): RSQGCFPVYL[Val861=]YSDKRMVQTA

ClinVar aggregate classification (germline): Likely benign (1 of 4 stars; one submission).

Allele frequency attached by ClinVar (database versions not stated): 1000 Genomes Project 30x 0.00187; 1000 Genomes Project 0.00200; TOPMed 0.00340; gnomAD 0.00342; ESP Exome Variant Server 0.00385; ExAC 0.00425; gnomAD exomes 0.00571.
gnomAD v4.1: 8,779 of 1,612,852 alleles (0.54%); highest among the groups gnomAD compares: Non-Finnish European, 0.67%; 28 homozygotes.

Submissions (3):

CeGaT Center for Human Genetics Tuebingen
Classification: Likely benign. Last evaluated: 2022-06-01. Review status: criteria provided, single submitter. Criteria: CeGaT Center For Human Genetics Tuebingen Variant Classification Criteria Version 2. Collection method: clinical testing. Allele origin: germline. Affected: yes. Observed: 1 variant allele.
Comment: NISCH: BP4, BP7

Dr. Peter K. Rogan Lab, Western University
No classification provided (evidence only). Condition: Thymoma. Review status: no classification provided. Collection method: in vitro. Allele origin: not applicable. Functional consequence: retained intron. Not counted in ClinVar's aggregate classification.

Dr. Peter K. Rogan Lab, Western University
No classification provided (evidence only). Condition: Cholangiocarcinoma. Review status: no classification provided. Collection method: in vitro. Allele origin: not applicable. Functional consequence: retained intron. Not counted in ClinVar's aggregate classification.